The following is an entry in ClinVar:

NM_020937.4(FANCM):c.5340+1G>T

Gene: FANCM (FA complementation group M; plus strand). Cytogenetic location: 14q21.2.
Variant type: single nucleotide variant.
Coding change: c.5340+1G>T on transcript NM_020937.4 (MANE Select); the canonical splice donor site of the intron after coding-DNA position 5340, G replaced by T.
Molecular consequence: splice donor variant.
Genome position (GRCh38, 1-based): chr14:45,189,363, G>T. VCF-style: chr14-45189363-G-T. GRCh37 (hg19) VCF-style: chr14-45658566-G-T.
Other names: c.5262+1G>T (NM_001308133.2); c.5340+1G>T (NM_020937.3).
Identifiers: ClinVar variation 659108 (VCV000659108.13), dbSNP rs754297345, ClinGen allele CA7169964.

ClinVar aggregate classification (germline): Conflicting classifications of pathogenicity. Review status: criteria provided, conflicting classifications (1 of 4 stars). 5 submissions from 5 submitters: Pathogenic (1); Likely pathogenic (3); Uncertain significance (1). Last evaluated 2025-06-02.

Conditions:
FANCM-related disorder. Also called: FANCM-related condition.
Fanconi anemia (FA). Also called: Fanconi's anemia. Identifiers: Orphanet 84, MedGen C0015625, MeSH D005199, MONDO:0019391.

Allele frequency attached by ClinVar (database versions not stated): ExAC 0.00002; gnomAD exomes 0.00002; TOPMed 0.00002; gnomAD 0.00004.
gnomAD v4.1: 77 of 1,601,980 alleles (0.0048%); highest among the groups gnomAD compares: Non-Finnish European, 0.0063%; no homozygotes.

Submissions (5):

GeneDx
Classification: Likely pathogenic. Last evaluated: 2025-06-02. Review status: criteria provided, single submitter. Criteria: GeneDx Variant Classification Process June 2021. Collection method: clinical testing. Allele origin: germline.
Comment: Canonical splice site variant predicted to result in an in-frame loss of the adjacent exon in a gene for which loss of function is a known mechanism of disease; Not observed at significant frequency in large population cohorts (gnomAD); This variant is associated with the following publications: (PMID: 29625052, 31970404, 33804961, 28881617, 36451132)

PreventionGenetics, part of Exact Sciences
Classification: Pathogenic for FANCM-related condition. Last evaluated: 2025-04-04. Review status: criteria provided, single submitter. Criteria: ACMG Guidelines, 2015. Collection method: clinical testing. Allele origin: germline.
Comment: The FANCM c.5340+1G>T variant is predicted to disrupt the GT donor site and interfere with normal splicing. This variant has been reported in individuals with various cancers including high grade serous ovarian cancer (Table S6, Dicks et al. 2017. PubMed ID: 28881617), pancreatic adenocarcinoma (Table S2A Huang et al. 2018. PubMed ID: 29625052), and in an individual with astrocytoma (Muskens et al. 2020. PubMed ID: 31970404). This variant is reported in 0.0035% of alleles in individuals of European (non-Finnish) descent in gnomAD. Variants that disrupt the consensus splice donor site in FANCM are expected to be pathogenic. This variant is interpreted as likely pathogenic in the ClinVar database. This variant is interpreted as pathogenic.

Quest Diagnostics Nichols Institute San Juan Capistrano
Classification: Likely pathogenic. Last evaluated: 2024-09-18. Review status: criteria provided, single submitter. Criteria: Quest Diagnostics criteria. Collection method: clinical testing. Allele origin: unknown.
Comment: The FANCM c.5340+1G>T variant disrupts a canonical splice-donor site and is predicted to result in the in-frame skipping of exon 20 in the FANCM gene. This affects close to 10% of the total protein and could impact function. This variant has been reported in the published literature in individuals affected with ovarian cancer (PMID: 28881617 (2017)), pancreatic adenocarcinoma (PMID: 29625052 (2018)), and astrocytoma (PMID: 31970404 (2020)). The frequency of this variant in the general population, 0.000035 (4/113194 chromosomes (Genome Aggregation Database)), is uninformative in the assessment of its pathogenicity. Based on the available information, this variant is classified as likely pathogenic.

Labcorp Genetics (formerly Invitae), Labcorp
Classification: Likely pathogenic for Fanconi anemia. Last evaluated: 2024-08-01. Review status: criteria provided, single submitter. Criteria: Invitae Variant Classification Sherloc (09022015). Collection method: clinical testing. Allele origin: germline.
Comment: This sequence change affects a donor splice site in intron 20 of the FANCM gene. It is expected to disrupt RNA splicing. Variants that disrupt the donor or acceptor splice site typically lead to a loss of protein function (PMID: 16199547), and loss-of-function variants in FANCM are known to be pathogenic (PMID: 29895858, 30075111). This variant is present in population databases (rs754297345, gnomAD 0.005%). Disruption of this splice site has been observed in individual(s) with astrocytoma, ovarian cancer, and/or pancreatic adenocarcinoma (PMID: 28881617, 29625052, 31970404). ClinVar contains an entry for this variant (Variation ID: 659108). Algorithms developed to predict the effect of sequence changes on RNA splicing suggest that this variant may disrupt the consensus splice site. In summary, the currently available evidence indicates that the variant is pathogenic, but additional data are needed to prove that conclusively. Therefore, this variant has been classified as Likely Pathogenic.

Blueprint Genetics
Classification: Uncertain significance. Last evaluated: 2023-11-13. Review status: criteria provided, single submitter. Criteria: ACMG Guidelines, 2015. Collection method: clinical testing. Allele origin: germline.

Literature cited by the submitters: PubMed 28881617 (cited by Quest Diagnostics Nichols Institute San Juan Capistrano and Labcorp Genetics (formerly Invitae), Labcorp); PubMed 29625052 (cited by Quest Diagnostics Nichols Institute San Juan Capistrano and Labcorp Genetics (formerly Invitae), Labcorp); PubMed 31970404 (cited by Quest Diagnostics Nichols Institute San Juan Capistrano and Labcorp Genetics (formerly Invitae), Labcorp); PubMed 16199547 (cited by Labcorp Genetics (formerly Invitae), Labcorp); PubMed 29895858 (cited by Labcorp Genetics (formerly Invitae), Labcorp); PubMed 30075111 (cited by Labcorp Genetics (formerly Invitae), Labcorp).